The following is an entry in ClinVar:

ClinVar aggregate classification (germline): Uncertain significance (1 of 4 stars; one submission).

Conditions:
Aortic aneurysm, familial thoracic 8 (AAT8). Identifiers: MedGen C3809513, MONDO:0014187, OMIM 615436.

Submission:

Labcorp Genetics (formerly Invitae), Labcorp
Classification: Uncertain significance for Aortic aneurysm, familial thoracic 8. Last evaluated: 2022-05-14. Review status: criteria provided, single submitter. Criteria: Invitae Variant Classification Sherloc (09022015). Collection method: clinical testing. Allele origin: germline.
Comment: In summary, the available evidence is currently insufficient to determine the role of this variant in disease. Therefore, it has been classified as a Variant of Uncertain Significance. Algorithms developed to predict the effect of missense changes on protein structure and function (SIFT, PolyPhen-2, Align-GVGD) all suggest that this variant is likely to be tolerated. This variant has not been reported in the literature in individuals affected with PRKG1-related conditions. This variant is not present in population databases (gnomAD no frequency). This sequence change replaces methionine, which is neutral and non-polar, with isoleucine, which is neutral and non-polar, at codon 175 of the PRKG1 protein (p.Met175Ile).

NM_006258.4(PRKG1):c.525G>A (p.Met175Ile)

Gene: PRKG1 (protein kinase cGMP-dependent 1; plus strand). Cytogenetic location: 10q21.1.
Variant type: single nucleotide variant.
Coding change: c.525G>A on transcript NM_006258.4 (MANE Select); coding-DNA position 525, G replaced by A.
Protein change: p.Met175Ile; replaces methionine 175 with isoleucine.
Molecular consequence: missense variant.
Genome position (GRCh38, 1-based): chr10:51,467,769, G>A. VCF-style: chr10-51467769-G-A. GRCh37 (hg19) VCF-style: chr10-53227529-G-A.
Other names: c.480G>A, p.Met160Ile (NM_001098512.3); c.525G>A, p.Met175Ile (NM_001374782.1); short protein forms M175I, M160I.
Identifiers: ClinVar variation 1994328 (VCV001994328.4), dbSNP rs2492845698, ClinGen allele CA376529140.